The following is an entry in ClinVar:

ClinVar aggregate classification (germline): Uncertain significance (1 of 4 stars; one submission).

Conditions:
Neonatal-onset encephalopathy with rigidity and seizures. Also called: Lethal neonatal spasticity-epileptic encephalopathy syndrome. Identifiers: Orphanet 435845, MedGen C3281029, MONDO:0013784, OMIM 614498.

gnomAD v4.1: 6 of 1,604,032 alleles (0.00037%); highest among the groups gnomAD compares: Non-Finnish European, 0.00034%; no homozygotes.

Submission:

Labcorp Genetics (formerly Invitae), Labcorp
Classification: Uncertain significance for Neonatal-onset encephalopathy with rigidity and seizures. Last evaluated: 2021-09-24. Review status: criteria provided, single submitter. Criteria: Invitae Variant Classification Sherloc (09022015). Collection method: clinical testing. Allele origin: germline.
Comment: This sequence change replaces arginine with proline at codon 427 of the BRAT1 protein (p.Arg427Pro). The arginine residue is highly conserved and there is a moderate physicochemical difference between arginine and proline. This variant is present in population databases (rs375466838, ExAC 0.002%). This variant has not been reported in the literature in individuals with BRAT1-related conditions. Algorithms developed to predict the effect of missense changes on protein structure and function (SIFT, PolyPhen-2, Align-GVGD) all suggest that this variant is likely to be disruptive, but these predictions have not been confirmed by published functional studies and their clinical significance is uncertain. In summary, the available evidence is currently insufficient to determine the role of this variant in disease. Therefore, it has been classified as a Variant of Uncertain Significance.

NM_152743.4(BRAT1):c.1280G>C (p.Arg427Pro)

Gene: BRAT1 (BRCA1 associated ATM activator 1; minus strand). Cytogenetic location: 7p22.3.
Variant type: single nucleotide variant.
Coding change: c.1280G>C on transcript NM_152743.4 (MANE Select); coding-DNA position 1280, G replaced by C.
Protein change: p.Arg427Pro; replaces arginine 427 with proline.
Molecular consequence: missense variant. On other transcripts: non-coding transcript variant (1).
Genome position (GRCh38, 1-based): chr7:2,541,339, C>G on the plus strand (G>C on the coding strand, the complement: BRAT1 is on the minus strand). VCF-style: chr7-2541339-C-G. GRCh37 (hg19) VCF-style: chr7-2580973-C-G.
Other names: c.1280G>C, p.Arg427Pro (NM_001350626.2); c.755G>C, p.Arg252Pro (NM_001350627.2); short protein forms R252P, R427P.
Identifiers: ClinVar variation 1428865 (VCV001428865.5), dbSNP rs375466838, ClinGen allele CA4127852.